The following is an entry in ClinVar:

ClinVar aggregate classification (germline): Uncertain significance. Review status: criteria provided, multiple submitters, no conflicts (2 of 4 stars). 2 submissions from 2 submitters: Uncertain significance (2). Last evaluated 2024-04-03.

Conditions:
Arrhythmogenic right ventricular dysplasia 9 (ARVD9). Also called: Arrhythmogenic Right Ventricular Dysplasia/Cardiomyopathy 9; ARRHYTHMOGENIC RIGHT VENTRICULAR DYSPLASIA, FAMILIAL, 9. Identifiers: MedGen C1836906, MONDO:0012180, OMIM 609040.
Arrhythmogenic right ventricular cardiomyopathy (ARVD). Also called: Arrhythmogenic right ventricular dysplasia; Cardiomyopathy, ARVC; Arrhythmogenic cardiomyopathy; Arrhythmogenic Right Ventricular Cardiomyopathy (ARVC). Identifiers: Orphanet 247, MedGen C0349788, MeSH D019571, MONDO:0016587. Disease mechanism: loss of function. Inheritance: Various modes of inheritance.

Allele frequency attached by ClinVar (database versions not stated): gnomAD exomes below 0.00001.
gnomAD v4.1: 3 of 1,614,238 alleles (0.00019%); highest among the groups gnomAD compares: African/African-American, 0.004%; no homozygotes.

Submissions (2):

Labcorp Genetics (formerly Invitae), Labcorp
Classification: Uncertain significance for Arrhythmogenic right ventricular dysplasia 9. Last evaluated: 2024-04-03. Review status: criteria provided, single submitter. Criteria: Invitae Variant Classification Sherloc (09022015). Collection method: clinical testing. Allele origin: germline.
Comment: This sequence change replaces proline, which is neutral and non-polar, with serine, which is neutral and polar, at codon 235 of the PKP2 protein (p.Pro235Ser). This variant is not present in population databases (gnomAD no frequency). This variant has not been reported in the literature in individuals affected with PKP2-related conditions. An algorithm developed to predict the effect of missense changes on protein structure and function (PolyPhen-2) suggests that this variant is likely to be tolerated. In summary, the available evidence is currently insufficient to determine the role of this variant in disease. Therefore, it has been classified as a Variant of Uncertain Significance.

All of Us Research Program, National Institutes of Health
Classification: Uncertain significance for Arrhythmogenic right ventricular cardiomyopathy. Last evaluated: 2023-05-04. Review status: criteria provided, single submitter. Criteria: ACMG Guidelines, 2015. Collection method: clinical testing. Allele origin: germline. Inheritance: Autosomal dominant inheritance. Observed: 1 variant allele, 1 heterozygote.
Comment: This missense variant replaces proline with serine at codon 235 of the PKP2 protein. Computational prediction suggests that this variant may not impact protein structure and function (internally defined REVEL score threshold <= 0.5, PMID: 27666373). To our knowledge, functional studies have not been reported for this variant. This variant has not been reported in individuals affected with PKP2-related disorders in the literature. This variant has not been identified in the general population by the Genome Aggregation Database (gnomAD). The available evidence is insufficient to determine the role of this variant in disease conclusively. Therefore, this variant is classified as a Variant of Uncertain Significance.

This study involves interpretation of variants in research participants for the purpose of population health screening. Participant phenotype was not available at the time of variant classification. Additional details can be found in publication PMID: 35346344, PMCID: PMC8962531

NM_001005242.3(PKP2):c.703C>T (p.Pro235Ser)

Gene: PKP2 (plakophilin 2; minus strand). Cytogenetic location: 12p11.21.
Variant type: single nucleotide variant.
Coding change: c.703C>T on transcript NM_001005242.3 (MANE Select); coding-DNA position 703, C replaced by T.
Protein change: p.Pro235Ser; replaces proline 235 with serine.
Molecular consequence: missense variant.
Genome position (GRCh38, 1-based): chr12:32,878,177, G>A on the plus strand (C>T on the coding strand, the complement: PKP2 is on the minus strand). VCF-style: chr12-32878177-G-A. GRCh37 (hg19) VCF-style: chr12-33031111-G-A.
Other names: c.703C>T, p.Pro235Ser (NM_001407155.1, NM_001407156.1, NM_001407157.1 and 2 more transcripts); c.376C>T, p.Pro126Ser (NM_001407158.1, NM_001407159.1, NM_001407160.1 and 1 more transcripts); short protein forms P126S, P235S.
Identifiers: ClinVar variation 3070911 (VCV003070911.3), dbSNP rs2541340244, ClinGen allele CA384363182.